The following is an entry in ClinVar:

ClinVar aggregate classification (germline): Conflicting classifications of pathogenicity. Review status: criteria provided, conflicting classifications (1 of 4 stars). 5 submissions from 4 submitters: Uncertain significance (4); Likely benign (1). Last evaluated 2026-02-01.

Conditions:
Inborn genetic diseases. Identifiers: MedGen C0950123, MeSH D030342.
Familial cutaneous telangiectasia and oropharyngeal predisposition cancer syndrome. Identifiers: Orphanet 313846, MedGen C3281203, MONDO:0013806, OMIM 614564.
Seckel syndrome 1 (SCKL1). Also called: MICROCEPHALIC PRIMORDIAL DWARFISM I. Identifiers: Orphanet 808, MedGen C4551474, MONDO:0008869, OMIM 210600.

Allele frequency attached by ClinVar (database versions not stated): ESP Exome Variant Server 0.00008; TOPMed 0.00011; ExAC 0.00013; gnomAD exomes 0.00016 and 0.00025; gnomAD 0.00022 and 0.00023; 1000 Genomes Project 0.00040; 1000 Genomes Project 30x 0.00047.
gnomAD v4.1: 395 of 1,614,010 alleles (0.024%); highest among the groups gnomAD compares: Non-Finnish European, 0.03%; no homozygotes.

Submissions (5):

Labcorp Genetics (formerly Invitae), Labcorp
Classification: Uncertain significance. Last evaluated: 2026-02-01. Review status: criteria provided, single submitter. Criteria: Invitae Variant Classification Sherloc (09022015). Collection method: clinical testing. Allele origin: germline.
Comment: This sequence change replaces arginine, which is basic and polar, with glutamine, which is neutral and polar, at codon 2606 of the ATR protein (p.Arg2606Gln). This variant is present in population databases (rs199948706, gnomAD 0.03%). This variant has not been reported in the literature in individuals affected with ATR-related conditions. ClinVar contains an entry for this variant (Variation ID: 899825). An algorithm developed to predict the effect of missense changes on protein structure and function (PolyPhen-2) suggests that this variant is likely to be tolerated. In summary, the available evidence is currently insufficient to determine the role of this variant in disease. Therefore, it has been classified as a Variant of Uncertain Significance.

Genome-Nilou Lab
Classification: Uncertain significance for Seckel syndrome 1. Last evaluated: 2023-02-08. Review status: criteria provided, single submitter. Criteria: ACMG Guidelines, 2015. Collection method: clinical testing. Allele origin: germline.

Genome-Nilou Lab
Classification: Uncertain significance for Familial cutaneous telangiectasia and oropharyngeal predisposition cancer syndrome. Last evaluated: 2023-02-08. Review status: criteria provided, single submitter. Criteria: ACMG Guidelines, 2015. Collection method: clinical testing. Allele origin: germline.

Ambry Genetics
Classification: Likely benign for Inborn genetic diseases. Last evaluated: 2022-09-22. Review status: criteria provided, single submitter. Criteria: Ambry Variant Classification Scheme 2023. Collection method: clinical testing. Allele origin: germline.

Illumina Laboratory Services, Illumina
Classification: Uncertain significance for Seckel syndrome 1. Last evaluated: 2017-04-27. Review status: criteria provided, single submitter. Criteria: ICSL Variant Classification Criteria 13 December 2019. Collection method: clinical testing. Allele origin: germline.

NM_001184.4(ATR):c.7817G>A (p.Arg2606Gln)

Gene: ATR (ATR checkpoint kinase; minus strand). Cytogenetic location: 3q23.
Variant type: single nucleotide variant.
Coding change: c.7817G>A on transcript NM_001184.4 (MANE Select); coding-DNA position 7817, G replaced by A.
Protein change: p.Arg2606Gln; replaces arginine 2606 with glutamine.
Molecular consequence: missense variant.
Genome position (GRCh38, 1-based): chr3:142,449,547, C>T on the plus strand (G>A on the coding strand, the complement: ATR is on the minus strand). VCF-style: chr3-142449547-C-T. GRCh37 (hg19) VCF-style: chr3-142168389-C-T.
Other names: c.7625G>A, p.Arg2542Gln (NM_001354579.2); short protein forms R2542Q, R2606Q.
Identifiers: ClinVar variation 899825 (VCV000899825.14), dbSNP rs199948706, ClinGen allele CA2649023.
Genomic context (GRCh38, chr3:142,449,547, plus strand): 5'-TCCTGTATAAGGTAATGCACATGTCCTTCAATAGATAACGGCAGTCCTGTCACTCTATTT[C>T]GAGTCTTGATTACACCTTGTAGTCGCTGCTCAATGTCAAGAACATGGGTCTTGGCCTAAA-3'
Protein context (NP_001175.2, residues 2596-2616): EQRLQGVIKT[Arg2606Gln]NRVTGLPLSI